The following is an entry in ClinVar:

ClinVar aggregate classification (germline): Uncertain significance. Review status: criteria provided, multiple submitters, no conflicts (2 of 4 stars). 4 submissions from 4 submitters: Uncertain significance (4). Last evaluated 2025-02-10.

Conditions:
Inborn genetic diseases. Identifiers: MedGen C0950123, MeSH D030342.
Epidermolysis bullosa simplex, Ogna type (EBS5A). Also called: Pidermolysis bullosa simplex 5A, Ogna type; EPIDERMOLYSIS BULLOSA SIMPLEX 5A, OGNA TYPE. Identifiers: Orphanet 79401, MedGen C0432317, MONDO:0007555, OMIM 131950.
Epidermolysis bullosa simplex 5C, with pyloric atresia (EBS5C). Also called: PLEC1-Related Epidermolysis Bullosa with Pyloric Atresia; Epidermolysis bullosa simplex with pyloric atresia; PLEC-Related Epidermolysis Bullosa with Pyloric Atresia. Identifiers: Orphanet 158684, MedGen C2677349, MONDO:0012807, OMIM 612138.
Epidermolysis bullosa simplex with nail dystrophy (EBS5D). Identifiers: MedGen C4225309, MONDO:0014661, OMIM 616487.
Epidermolysis bullosa simplex 5B, with muscular dystrophy (EBS5B). Also called: EPIDERMOLYSIS BULLOSA SIMPLEX AND LIMB-GIRDLE MUSCULAR DYSTROPHY; Epidermolysis bullosa simplex with muscular dystrophy. Identifiers: Orphanet 257, MedGen C2931072, MONDO:0009181, OMIM 226670.
Autosomal recessive limb-girdle muscular dystrophy type 2Q (LGMDR17). Also called: MUSCULAR DYSTROPHY, LIMB-GIRDLE, AUTOSOMAL RECESSIVE 17. Identifiers: Orphanet 254361, MedGen C3150989, MONDO:0013390, OMIM 613723.

Allele frequency attached by ClinVar (database versions not stated): ExAC 0.00006; gnomAD exomes 0.00006; ESP Exome Variant Server 0.00008; gnomAD 0.00009; TOPMed 0.00009; 1000 Genomes Project 0.00020; 1000 Genomes Project 30x 0.00031.
gnomAD v4.1: 145 of 1,612,304 alleles (0.009%); highest among the groups gnomAD compares: Middle Eastern, 0.017%; no homozygotes.

Submissions (4):

Labcorp Genetics (formerly Invitae), Labcorp
Classification: Uncertain significance for Autosomal recessive limb-girdle muscular dystrophy type 2Q; Epidermolysis bullosa simplex, Ogna type; Epidermolysis bullosa simplex with nail dystrophy; Epidermolysis bullosa simplex 5C, with pyloric atresia; Epidermolysis bullosa simplex 5B, with muscular dystrophy. Last evaluated: 2025-02-10. Review status: criteria provided, single submitter. Criteria: Invitae Variant Classification Sherloc (09022015). Collection method: clinical testing. Allele origin: germline.
Comment: This sequence change replaces glycine, which is neutral and non-polar, with serine, which is neutral and polar, at codon 3462 of the PLEC protein (p.Gly3462Ser). This variant is present in population databases (rs375044211, gnomAD 0.02%). This variant has not been reported in the literature in individuals affected with PLEC-related conditions. ClinVar contains an entry for this variant (Variation ID: 1189831). Invitae Evidence Modeling of protein sequence and biophysical properties (such as structural, functional, and spatial information, amino acid conservation, physicochemical variation, residue mobility, and thermodynamic stability) indicates that this missense variant is expected to disrupt PLEC protein function with a positive predictive value of 80%. In summary, the available evidence is currently insufficient to determine the role of this variant in disease. Therefore, it has been classified as a Variant of Uncertain Significance.

Ambry Genetics
Classification: Uncertain significance for Inborn genetic diseases. Last evaluated: 2025-01-08. Review status: criteria provided, single submitter. Criteria: Ambry Variant Classification Scheme 2023. Collection method: clinical testing. Allele origin: germline.

Revvity Omics, Revvity
Classification: Uncertain significance. Last evaluated: 2023-05-15. Review status: criteria provided, single submitter. Criteria: ACMG Guidelines, 2015. Collection method: clinical testing. Allele origin: germline.

GeneDx
Classification: Uncertain significance. Last evaluated: 2020-01-08. Review status: criteria provided, single submitter. Criteria: GeneDx Variant Classification Process June 2021. Collection method: clinical testing. Allele origin: germline. Affected: yes.
Comment: Has not been previously published as pathogenic or benign to our knowledge; Missense variant in a gene in which most reported pathogenic variants are truncating/loss-of-function; In silico analysis, which includes protein predictors and evolutionary conservation, supports a deleterious effect

NM_201384.3(PLEC):c.10303G>A (p.Gly3435Ser)

Gene: PLEC (plectin; minus strand). Cytogenetic location: 8q24.3.
Variant type: single nucleotide variant.
Coding change: c.10303G>A on transcript NM_201384.3 (MANE Select); coding-DNA position 10303, G replaced by A.
Protein change: p.Gly3435Ser; replaces glycine 3435 with serine.
Molecular consequence: missense variant.
Genome position (GRCh38, 1-based): chr8:143,919,518, C>T on the plus strand (G>A on the coding strand, the complement: PLEC is on the minus strand). VCF-style: chr8-143919518-C-T. GRCh37 (hg19) VCF-style: chr8-144993686-C-T.
Other names: c.10384G>A, p.Gly3462Ser (NM_000445.5); c.10261G>A, p.Gly3421Ser (NM_201378.4); c.10237G>A, p.Gly3413Ser (NM_201379.3); c.10714G>A, p.Gly3572Ser (NM_201380.4); c.10207G>A, p.Gly3403Ser (NM_201381.3); c.10303G>A, p.Gly3435Ser (NM_201382.4); c.10315G>A, p.Gly3439Ser (NM_201383.3); short protein forms G3403S, G3413S, G3421S, G3435S, G3439S, G3462S, G3572S.
Identifiers: ClinVar variation 1189831 (VCV001189831.14), dbSNP rs375044211, ClinGen allele CA4924689.